The following is an entry in ClinVar:

NM_001290060.2(SEMA3B):c.1620G>A (p.Ala540=)

Gene: SEMA3B (semaphorin 3B; plus strand). Cytogenetic location: 3p21.31.
Variant type: single nucleotide variant.
Coding change: c.1620G>A on transcript NM_001290060.2 (MANE Select); coding-DNA position 1620, G replaced by A.
Protein change: p.Ala540=; no amino-acid change (alanine 540 retained).
Molecular consequence: synonymous variant.
Genome position (GRCh38, 1-based): chr3:50,275,430, G>A. VCF-style: chr3-50275430-G-A. GRCh37 (hg19) VCF-style: chr3-50312861-G-A.
Other names: c.1617G>A, p.Ala539= (NM_001005914.3, NM_001435957.1, NM_001435958.1); c.1635G>A, p.Ala545= (NM_001290061.1); c.591G>A, p.Ala197= (NM_001290062.2, NM_001290063.2); c.1620G>A, p.Ala540= (NM_001435956.1, NM_004636.4).
Identifiers: ClinVar variation 4997088 (VCV004997088.1).

ClinVar aggregate classification (germline): Likely benign (1 of 4 stars; one submission).

Conditions:
SEMA3B-related disorder. Also called: SEMA3B-related condition.

Submission:

PreventionGenetics, part of Exact Sciences
Classification: Likely benign for SEMA3B-related condition. Last evaluated: 2025-01-09. Review status: criteria provided, single submitter. Criteria: ACMG Guidelines, 2015. Collection method: clinical testing. Allele origin: germline.
Comment: This variant is classified as likely benign based on ACMG/AMP sequence variant interpretation guidelines (Richards et al. 2015 PMID: 25741868, with internal and published modifications).